The following is an entry in ClinVar:

NM_001211.6(BUB1B):c.2717C>G (p.Ala906Gly)

Genes: BUB1B (BUB1 mitotic checkpoint serine/threonine kinase B; plus strand), BUB1B-PAK6 (BUB1B-PAK6 readthrough; plus strand). Cytogenetic location: 15q15.1.
Variant type: single nucleotide variant.
Coding change: c.2717C>G on transcript NM_001211.6 (MANE Select); coding-DNA position 2717, C replaced by G.
Protein change: p.Ala906Gly; replaces alanine 906 with glycine.
Molecular consequence: missense variant. On other transcripts: 5 prime UTR variant (2).
Genome position (GRCh38, 1-based): chr15:40,217,534, C>G. VCF-style: chr15-40217534-C-G. GRCh37 (hg19) VCF-style: chr15-40509735-C-G.
Other names: c.-334C>G (NM_001128628.3); c.-251C>G (NM_001128629.3); short protein forms A906G.
Identifiers: ClinVar variation 3993737 (VCV003993737.1).

ClinVar aggregate classification (germline): Uncertain significance (1 of 4 stars; one submission).

Conditions:
Inborn genetic diseases. Identifiers: MedGen C0950123, MeSH D030342.

Submission:

Ambry Genetics
Classification: Uncertain significance for Inborn genetic diseases. Last evaluated: 2025-05-31. Review status: criteria provided, single submitter. Criteria: Ambry Variant Classification Scheme 2023. Collection method: clinical testing. Allele origin: germline.
Comment: The p.A906G variant (also known as c.2717C>G), located in coding exon 21 of the BUB1B gene, results from a C to G substitution at nucleotide position 2717. The alanine at codon 906 is replaced by glycine, an amino acid with similar properties. This amino acid position is conserved. In addition, this alteration is predicted to be tolerated by in silico analysis. Based on the available evidence, the clinical significance of this variant remains unclear.